The following is an entry in ClinVar:

ClinVar aggregate classification (germline): Conflicting classifications of pathogenicity. Review status: criteria provided, conflicting classifications (1 of 4 stars). 4 submissions from 4 submitters: Uncertain significance (1); Likely benign (2). 1 of the submissions does not count toward it. Last evaluated 2025-11-10.

Conditions:
Xeroderma pigmentosum, group F (XPF). Also called: XERODERMA PIGMENTOSUM, TYPE F; Xeroderma pigmentosum, type 6; XERODERMA PIGMENTOSUM, COMPLEMENTATION GROUP F; XERODERMA PIGMENTOSUM VI; XP, GROUP F; ERCC4-Related Xeroderma Pigmentosum. Identifiers: MedGen C0268140, MONDO:0010215, OMIM 278760.
Fanconi anemia complementation group Q. Identifiers: Orphanet 84, MedGen C3808988, MONDO:0014108, OMIM 615272.
Cockayne syndrome. Identifiers: Orphanet 191, MedGen C0009207, MONDO:0016006.
ERCC4-related disorder. Also called: ERCC4-related condition.
Xeroderma pigmentosum (XP). Identifiers: Orphanet 910, MedGen C0043346, MONDO:0019600.

Allele frequency attached by ClinVar (database versions not stated): gnomAD 0.00001; ExAC 0.00002; gnomAD exomes 0.00002 and 0.00003; TOPMed 0.00002; ESP Exome Variant Server 0.00008.
gnomAD v4.1: 45 of 1,613,520 alleles (0.0028%); highest among the groups gnomAD compares: Non-Finnish European, 0.0036%; no homozygotes.

Submissions (4):

Labcorp Genetics (formerly Invitae), Labcorp
Classification: Likely benign for Fanconi anemia complementation group Q; Xeroderma pigmentosum, group F; Cockayne syndrome. Last evaluated: 2025-11-10. Review status: criteria provided, single submitter. Criteria: Invitae Variant Classification Sherloc (09022015). Collection method: clinical testing. Allele origin: germline.

Sema4
Classification: Likely benign for Xeroderma pigmentosum. Last evaluated: 2022-01-10. Review status: criteria provided, single submitter. Criteria: Sema4 Curation Guidelines. Collection method: curation. Allele origin: germline.

Illumina Laboratory Services, Illumina
Classification: Uncertain significance for Xeroderma pigmentosum, group F. Last evaluated: 2018-01-12. Review status: criteria provided, single submitter. Criteria: ICSL Variant Classification Criteria 13 December 2019. Collection method: clinical testing. Allele origin: germline.

PreventionGenetics, part of Exact Sciences
Classification: Likely benign for ERCC4-related condition. Last evaluated: 2022-12-27. Review status: no assertion criteria provided. Collection method: clinical testing. Allele origin: germline. Not counted in ClinVar's aggregate classification.
Comment: This variant is classified as likely benign based on ACMG/AMP sequence variant interpretation guidelines (Richards et al. 2015 PMID: 25741868, with internal and published modifications).

NM_005236.3(ERCC4):c.228G>A (p.Leu76=)

Gene: ERCC4 (ERCC excision repair 4, endonuclease catalytic subunit; plus strand). Cytogenetic location: 16p13.12.
Variant type: single nucleotide variant.
Coding change: c.228G>A on transcript NM_005236.3 (MANE Select); coding-DNA position 228, G replaced by A.
Protein change: p.Leu76=; no amino-acid change (leucine 76 retained).
Molecular consequence: synonymous variant.
Genome position (GRCh38, 1-based): chr16:13,922,051, G>A. VCF-style: chr16-13922051-G-A. GRCh37 (hg19) VCF-style: chr16-14015908-G-A.
Identifiers: ClinVar variation 474204 (VCV000474204.15), dbSNP rs61760162, ClinGen allele CA7910129.